The following is an entry in ClinVar:

ClinVar aggregate classification (germline): Likely pathogenic (1 of 4 stars; one submission).

Conditions:
Sjögren-Larsson syndrome (SLS). Also called: FALDH DEFICIENCY; FATTY ALCOHOL:NAD+ OXIDOREDUCTASE DEFICIENCY; FATTY ALDEHYDE DEHYDROGENASE DEFICIENCY; ICHTHYOSIS, SPASTIC NEUROLOGIC DISORDER, AND OLIGOPHRENIA. Identifiers: Orphanet 816, MedGen C0037231, MONDO:0010031, OMIM 270200.

Submission:

Myriad Genetics, Inc.
Classification: Likely pathogenic for Sjögren-Larsson syndrome. Last evaluated: 2021-11-16. Review status: criteria provided, single submitter. Criteria: Myriad Women's Health Autosomal Recessive and X-Linked Classification Criteria (2021). Collection method: clinical testing. Allele origin: unknown.
Comment: NM_000382.2(ALDH3A2):c.257_259del3ins8(K86Tfs*23) is expected to be pathogenic in the context of Sjogren-Larsson syndrome. This variant is predicted to lead to an abnormal or absent protein product due to the creation of a premature termination codon in ALDH3A2, a gene where loss-of-function variants are known to be pathogenic. Please note: this variant was assessed in the context of healthy population screening.

NM_000382.3(ALDH3A2):c.257_259delinsCACTCAGC (p.Lys86fs)

Gene: ALDH3A2 (aldehyde dehydrogenase 3 family member A2; plus strand). Cytogenetic location: 17p11.2.
Variant type: Indel.
Coding change: c.257_259delinsCACTCAGC on transcript NM_000382.3 (MANE Select); coding-DNA positions 257 to 259, AGA replaced by CACTCAGC.
Protein change: p.Lys86fs; shifts the reading frame from lysine 86.
Molecular consequence: frameshift variant. On other transcripts: 5 prime UTR variant (1).
Genome position (GRCh38, 1-based): chr17:19,651,650-19,651,652, AGA replaced by CACTCAGC. VCF-style: chr17-19651650-AGA-CACTCAGC. GRCh37 (hg19) VCF-style: chr17-19554963-AGA-CACTCAGC.
Other names: c.257_259delinsCACTCAGC, p.Lys86fs (NM_001031806.2, NM_001369136.1, NM_001369137.2 and 3 more transcripts); c.-432_-430delinsCACTCAGC (NM_001369148.2); short protein forms K86fs.
Identifiers: ClinVar variation 1724648 (VCV001724648.2), dbSNP rs2544357172, ClinGen allele CA2580092703.